The following is an entry in ClinVar:

ClinVar aggregate classification (germline): Uncertain significance. Review status: reviewed by expert panel (3 of 4 stars). 7 submissions from 7 submitters: Uncertain significance (1). 6 of the submissions do not count toward it. Last evaluated 2024-12-03.

Conditions:
Noonan syndrome 9 (NS9). Identifiers: Orphanet 648, MedGen C4225282, MONDO:0014691, OMIM 616559.
Cardiovascular phenotype. Identifiers: MedGen CN230736.
RASopathy. Also called: rasopathies; Noonan spectrum disorder. Identifiers: Orphanet 536391, MedGen C5555857, MONDO:0021060.

Allele frequency attached by ClinVar (database versions not stated): ExAC 0.00001; gnomAD 0.00001; gnomAD exomes 0.00002 and 0.00004; TOPMed 0.00002.
gnomAD v4.1: 55 of 1,492,292 alleles (0.0037%); highest among the groups gnomAD compares: Non-Finnish European, 0.0049%; no homozygotes.

Submissions (7):

ClinGen RASopathy Variant Curation Expert Panel
Classification: Uncertain significance for RASopathy. Last evaluated: 2024-12-03. Review status: reviewed by expert panel. Criteria: ClinGen RASopathy ACMG Specifications SOS2 V2.3.0. Collection method: curation. Allele origin: germline. Inheritance: Autosomal dominant inheritance.
Comment: The c.2957G>A (NM_006939.4(SOS2):c.2957G>A (p.Arg986Lys)) variant in SOS2 is a missense variant predicted to cause substitution of arginine by lysine at amino acid 986. The highest MAF in gnomAD v2.1.1 is 0.004629 % in the African/African American population (no population codes met). The computational predictor REVEL gives a score of 0.051, which is below the threshold of 0.3, evidence that does not predict a damaging effect on SOS2 function (BP4). In summary, this variant meets the criteria to be classified as uncertain significance for autosomal dominant RASopathy, based on the ACMG/AMP criteria applied, as specified by the ClinGen RASopathy VCEP: BP4 (Version 2.3; 12/3/2024).

Women's Health and Genetics/Laboratory Corporation of America, LabCorp
Classification: Uncertain significance. Last evaluated: 2026-06-05. Review status: criteria provided, single submitter. Criteria: LabCorp Variant Classification Summary - May 2015. Collection method: clinical testing. Allele origin: germline. Not counted in ClinVar's aggregate classification.
Comment: Variant summary: SOS2 c.2957G>A (p.Arg986Lys) results in a conservative amino acid change in the encoded protein sequence. Algorithms developed to predict the effect of missense changes on protein structure and function are either unavailable or do not agree on the potential impact of this missense change. The variant allele was found at a frequency of 1.6e-05 in 190868 control chromosomes. The available data on variant occurrences in the general population are insufficient to allow any conclusion about variant significance. To our knowledge, no occurrence of c.2957G>A in individuals affected with SOS2-related conditions and no experimental evidence demonstrating its impact on protein function have been reported. ClinVar contains an entry for this variant (Variation ID: 475749). Based on the evidence outlined above, the variant was classified as uncertain significance.

Labcorp Genetics (formerly Invitae), Labcorp
Classification: Uncertain significance for Noonan syndrome 9. Last evaluated: 2026-01-18. Review status: criteria provided, single submitter. Criteria: Invitae Variant Classification Sherloc (09022015). Collection method: clinical testing. Allele origin: germline. Not counted in ClinVar's aggregate classification.
Comment: This sequence change replaces arginine, which is basic and polar, with lysine, which is basic and polar, at codon 986 of the SOS2 protein (p.Arg986Lys). This variant is present in population databases (rs772746106, gnomAD 0.005%). This variant has not been reported in the literature in individuals affected with SOS2-related conditions. ClinVar contains an entry for this variant (Variation ID: 475749). Invitae Evidence Modeling of protein sequence and biophysical properties (such as structural, functional, and spatial information, amino acid conservation, physicochemical variation, residue mobility, and thermodynamic stability) indicates that this missense variant is not expected to disrupt SOS2 protein function with a negative predictive value of 95%. In summary, the available evidence is currently insufficient to determine the role of this variant in disease. Therefore, it has been classified as a Variant of Uncertain Significance.

Ambry Genetics
Classification: Likely benign for Cardiovascular phenotype. Last evaluated: 2025-05-15. Review status: criteria provided, single submitter. Criteria: Ambry Variant Classification Scheme 2023. Collection method: clinical testing. Allele origin: germline. Not counted in ClinVar's aggregate classification.

Blueprint Genetics
Classification: Likely benign. Last evaluated: 2024-11-27. Review status: criteria provided, single submitter. Criteria: ACMG Guidelines, 2015. Collection method: clinical testing. Allele origin: germline. Not counted in ClinVar's aggregate classification.

GeneDx
Classification: Likely benign. Last evaluated: 2021-05-13. Review status: criteria provided, single submitter. Criteria: GeneDx Variant Classification Process June 2021. Collection method: clinical testing. Allele origin: germline. Affected: yes. Not counted in ClinVar's aggregate classification.

Fulgent Genetics
Classification: Uncertain significance for Noonan syndrome 9. Last evaluated: 2018-10-31. Review status: criteria provided, single submitter. Criteria: ACMG Guidelines, 2015. Collection method: clinical testing. Allele origin: unknown. Not counted in ClinVar's aggregate classification.

NM_006939.4(SOS2):c.2957G>A (p.Arg986Lys)

Gene: SOS2 (SOS Ras/Rho guanine nucleotide exchange factor 2; minus strand). Cytogenetic location: 14q21.3.
Variant type: single nucleotide variant.
Coding change: c.2957G>A on transcript NM_006939.4 (MANE Select); coding-DNA position 2957, G replaced by A.
Protein change: p.Arg986Lys; replaces arginine 986 with lysine.
Molecular consequence: missense variant.
Genome position (GRCh38, 1-based): chr14:50,138,613, C>T on the plus strand (G>A on the coding strand, the complement: SOS2 is on the minus strand). VCF-style: chr14-50138613-C-T. GRCh37 (hg19) VCF-style: chr14-50605331-C-T.
Other names: NM_006939.4(SOS2):c.2957G>A; p.Arg986Lys; short protein forms R986K.
Identifiers: ClinVar variation 475749 (VCV000475749.18), dbSNP rs772746106, ClinGen allele CA7176917.
Genomic context (GRCh38, chr14:50,138,613, plus strand): 5'-TTTTTTTTTGGTACCCATTAACACGTTCTCTTCTAAAGATATGCAAAGAAAATATTTACC[C>T]TCATATCTGGTTCTATCCGTAAACAGTAAGGCTGATTCTGATACTGCTGAATTTCTCCAG-3'
Protein context (NP_008870.2, residues 976-996): PYCLRIEPDM[Arg986Lys]RFFENLNPMG